The following is an entry in ClinVar:

NM_025225.2(PNPLA3):c.-168C>A

Gene: PNPLA3 (patatin like domain 3, 1-acylglycerol-3-phosphate O-acyltransferase; plus strand). Cytogenetic location: 22q13.31.
Variant type: single nucleotide variant.
Coding change: c.-168C>A on transcript NM_025225.2; 168 bases upstream of the start codon, C replaced by A.
Genome position (GRCh38, 1-based): chr22:43,923,744, C>A. VCF-style: chr22-43923744-C-A. GRCh37 (hg19) VCF-style: chr22-44319624-C-A.
Identifiers: ClinVar variation 341921 (VCV000341921.8), dbSNP rs140746182, ClinGen allele CA10651437.

ClinVar aggregate classification (germline): Likely benign. Review status: criteria provided, multiple submitters, no conflicts (2 of 4 stars). 2 submissions from 2 submitters: Likely benign (2). Last evaluated 2018-01-13.

Conditions:
NAFLD1 (FLD1). Also called: Fatty liver disease, nonalcoholic 1; FATTY LIVER DISEASE, SUSCEPTIBILITY TO, 1. Identifiers: MedGen C2750440, MONDO:0021105, OMIM 613282.

Allele frequency attached by ClinVar (database versions not stated): 1000 Genomes Project 0.01078; 1000 Genomes Project 30x 0.01124; TOPMed 0.00980.

Submissions (2):

Illumina Laboratory Services, Illumina
Classification: Likely benign for NAFLD1. Last evaluated: 2018-01-13. Review status: criteria provided, single submitter. Criteria: ICSL Variant Classification Criteria 13 December 2019. Collection method: clinical testing. Allele origin: germline.
Comment: This variant was observed in the ICSL laboratory as part of a predisposition screen in an ostensibly healthy population. It had not been previously curated by ICSL or reported in the Human Gene Mutation Database (HGMD: prior to June 1st, 2018), and was therefore a candidate for classification through an automated scoring system. Utilizing variant allele frequency, disease prevalence and penetrance estimates, and inheritance mode, an automated score was calculated to assess if this variant is too frequent to cause the disease. Based on the score and internal cut-off values, a variant classified as likely benign is not then subjected to further curation. The score for this variant resulted in a classification of likely benign for this disease.

Breakthrough Genomics
Classification: Likely benign. Review status: criteria provided, single submitter. Criteria: ACMG Guidelines, 2015. Collection method: not provided. Allele origin: germline. Inheritance: Unknown mechanism. Affected: yes.